The following is an entry in ClinVar:

ClinVar aggregate classification (germline): Likely pathogenic (1 of 4 stars; one submission).

Conditions:
Familial intrahepatic cholestasis. Identifiers: Orphanet 284385, MedGen CN296401, MONDO:0017290.

Submission:

Genomenon, Inc
Classification: Likely pathogenic for Familial intrahepatic cholestasis. Last evaluated: 2026-04-14. Review status: criteria provided, single submitter. Criteria: Genomenon Sequence Variant Interpretation Standards - Updated. Collection method: curation. Allele origin: germline. Affected: yes.
Comment: ABCB11 p.Leu1165del (c.3495_3497del) is an in-frame deletion variant that results in the loss of the Leucine at residue 1165. This variant has been observed in at least one proband with an ABCB11-related disorder (PMID:36995996). This variant is located in a mutational hotspot and/or important functional domain. It is absent or not present at a significant frequency in gnomAD. In conclusion, we classify ABCB11 p.Leu1165del (c.3495_3497del) as a likely pathogenic variant.

Literature cited by the submitters: PubMed 36995996.

NM_003742.4(ABCB11):c.3492GTT[1] (p.Leu1165del)

Gene: ABCB11 (ATP binding cassette subfamily B member 11; minus strand). Cytogenetic location: 2q31.1.
Variant type: Microsatellite.
Coding change: c.3492GTT[1] on transcript NM_003742.4 (MANE Select); one copy of the 3-base unit GTT starting at c.3492; the reference has two copies in a row; one copy, 3 bases deleted; also written c.3495_3497del.
Protein change: p.Leu1165del; deletes leucine 1165.
Genome position (GRCh38, 1-based): chr2:168,927,277-168,927,279, AAC deleted on the plus strand (GTT on the coding strand, the reverse complement: ABCB11 is on the minus strand); deleting any 3 consecutive bases within chr2:168,927,277-168,927,283 gives the same sequence; the position shown is the placement nearest the transcript's 3' end. VCF-style (leftmost placement, unchanged base first): chr2-168927276-AAAC-A. GRCh37 (hg19) VCF-style: chr2-169783786-AAAC-A.
Other names: c.3495_3497del (NM_003742.4); short protein forms L1165del.
Identifiers: ClinVar variation 4846075 (VCV004846075.1).
Genomic context (GRCh38, chr2:168,927,276, plus strand): 5'-TTCCATGGGAATTTCTTTGGTGTTGTCTCCATACTTGATATTGTCCATTATGCTACAGGC[AAAC>A]AACACTGGTTCCTGGGAAACAATTCCAATGTTTGAGCGGAGGAACTGGACATTTACTTTT-3'